The following is an entry in ClinVar:

ClinVar aggregate classification (germline): Uncertain significance. Review status: criteria provided, multiple submitters, no conflicts (2 of 4 stars). 2 submissions from 2 submitters: Uncertain significance (2). Last evaluated 2024-09-09.

Conditions:
Inborn genetic diseases. Identifiers: MedGen C0950123, MeSH D030342.

Allele frequency attached by ClinVar (database versions not stated): gnomAD 0.00002.

Submissions (2):

Ambry Genetics
Classification: Uncertain significance for Inborn genetic diseases. Last evaluated: 2024-09-09. Review status: criteria provided, single submitter. Criteria: Ambry Variant Classification Scheme 2023. Collection method: clinical testing. Allele origin: germline.

Labcorp Genetics (formerly Invitae), Labcorp
Classification: Uncertain significance. Last evaluated: 2022-07-25. Review status: criteria provided, single submitter. Criteria: Invitae Variant Classification Sherloc (09022015). Collection method: clinical testing. Allele origin: germline.
Comment: In summary, the available evidence is currently insufficient to determine the role of this variant in disease. Therefore, it has been classified as a Variant of Uncertain Significance. Algorithms developed to predict the effect of missense changes on protein structure and function output the following: SIFT: "Tolerated"; PolyPhen-2: "Benign"; Align-GVGD: "Class C0". The proline amino acid residue is found in multiple mammalian species, which suggests that this missense change does not adversely affect protein function. ClinVar contains an entry for this variant (Variation ID: 957701). This variant has not been reported in the literature in individuals affected with PRDM13-related conditions. The frequency data for this variant in the population databases is considered unreliable, as metrics indicate poor data quality at this position in the gnomAD database. This sequence change replaces serine, which is neutral and polar, with proline, which is neutral and non-polar, at codon 191 of the PRDM13 protein (p.Ser191Pro).

NM_021620.4(PRDM13):c.571T>C (p.Ser191Pro)

Gene: PRDM13 (PR/SET domain 13; plus strand). Cytogenetic location: 6q16.2.
Variant type: single nucleotide variant.
Coding change: c.571T>C on transcript NM_021620.4 (MANE Select); coding-DNA position 571, T replaced by C.
Protein change: p.Ser191Pro; replaces serine 191 with proline.
Molecular consequence: missense variant.
Genome position (GRCh38, 1-based): chr6:99,613,206, T>C. VCF-style: chr6-99613206-T-C. GRCh37 (hg19) VCF-style: chr6-100061082-T-C.
Other names: short protein forms S191P.
Identifiers: ClinVar variation 957701 (VCV000957701.10), dbSNP rs750610159, ClinGen allele CA3936235.